The following is an entry in ClinVar:

ClinVar aggregate classification (germline): Conflicting classifications of pathogenicity. Review status: criteria provided, conflicting classifications (1 of 4 stars). 3 submissions from 3 submitters: Uncertain significance (2); Likely benign (1). Last evaluated 2026-01-05.

Conditions:
Ichthyosis linearis circumflexa. Identifiers: MedGen C0265962, MONDO:0043106, HP:0025810.

Allele frequency attached by ClinVar (database versions not stated): ExAC 0.00002; gnomAD exomes 0.00002 and 0.00003; TOPMed 0.00002; gnomAD 0.00004; 1000 Genomes Project 30x 0.00016; 1000 Genomes Project 0.00020.
gnomAD v4.1: 39 of 1,612,510 alleles (0.0024%); highest among the groups gnomAD compares: Middle Eastern, 0.033%; no homozygotes.

Submissions (3):

Labcorp Genetics (formerly Invitae), Labcorp
Classification: Uncertain significance for Ichthyosis linearis circumflexa. Last evaluated: 2026-01-05. Review status: criteria provided, single submitter. Criteria: Invitae Variant Classification Sherloc (09022015). Collection method: clinical testing. Allele origin: germline.
Comment: This sequence change replaces threonine, which is neutral and polar, with methionine, which is neutral and non-polar, at codon 65 of the SPINK5 protein (p.Thr65Met). This variant is present in population databases (rs552548594, gnomAD 0.01%). This variant has not been reported in the literature in individuals affected with SPINK5-related conditions. ClinVar contains an entry for this variant (Variation ID: 872414). An algorithm developed to predict the effect of missense changes on protein structure and function outputs the following: PolyPhen-2: "Benign". The methionine amino acid residue is found in multiple mammalian species, which suggests that this missense change does not adversely affect protein function. In summary, the available evidence is currently insufficient to determine the role of this variant in disease. Therefore, it has been classified as a Variant of Uncertain Significance.

Blueprint Genetics
Classification: Likely benign. Last evaluated: 2024-07-31. Review status: criteria provided, single submitter. Criteria: ACMG Guidelines, 2015. Collection method: clinical testing. Allele origin: germline.

CeGaT Center for Human Genetics Tuebingen
Classification: Uncertain significance. Last evaluated: 2019-08-01. Review status: criteria provided, single submitter. Criteria: CeGaT Center For Human Genetics Tuebingen Variant Classification Criteria Version 2. Collection method: clinical testing. Allele origin: germline. Affected: yes. Observed: 2 variant alleles.

NM_006846.4(SPINK5):c.194C>T (p.Thr65Met)

Gene: SPINK5 (serine peptidase inhibitor Kazal type 5; plus strand). Cytogenetic location: 5q32.
Variant type: single nucleotide variant.
Coding change: c.194C>T on transcript NM_006846.4 (MANE Select); coding-DNA position 194, C replaced by T.
Protein change: p.Thr65Met; replaces threonine 65 with methionine.
Molecular consequence: missense variant.
Genome position (GRCh38, 1-based): chr5:148,070,435, C>T. VCF-style: chr5-148070435-C-T. GRCh37 (hg19) VCF-style: chr5-147449998-C-T.
Other names: c.194C>T, p.Thr65Met (NM_001127698.2, NM_001127699.2); short protein forms T65M.
Identifiers: ClinVar variation 872414 (VCV000872414.44), dbSNP rs552548594, ClinGen allele CA3495125.